The following is an entry in ClinVar:

NM_002485.5(NBN):c.2110G>A (p.Gly704Arg)

Gene: NBN (nibrin; minus strand). Cytogenetic location: 8q21.3.
Variant type: single nucleotide variant.
Coding change: c.2110G>A on transcript NM_002485.5 (MANE Select); coding-DNA position 2110, G replaced by A.
Protein change: p.Gly704Arg; replaces glycine 704 with arginine.
Molecular consequence: missense variant.
Genome position (GRCh38, 1-based): chr8:89,943,327, C>T on the plus strand (G>A on the coding strand, the complement: NBN is on the minus strand). VCF-style: chr8-89943327-C-T. GRCh37 (hg19) VCF-style: chr8-90955555-C-T.
Other names: c.1864G>A, p.Gly622Arg (NM_001024688.3); short protein forms G622R, G704R.
Identifiers: ClinVar variation 1388477 (VCV001388477.6), dbSNP rs1810037245, ClinGen allele CA371675670.

ClinVar aggregate classification (germline): Uncertain significance (1 of 4 stars; one submission).

Conditions:
Microcephaly, normal intelligence and immunodeficiency (NBS). Also called: SEEMANOVA SYNDROME II; IMMUNODEFICIENCY, MICROCEPHALY, AND CHROMOSOMAL INSTABILITY; Immunodeficiency, microcephaly with normal intelligence; BERLIN BREAKAGE SYNDROME; Nijmegen breakage syndrome; Microcephaly with normal intelligence immunodeficiency and lymphoreticular malignancies. Identifiers: Orphanet 647, MedGen C0398791, MONDO:0009623, OMIM 251260.

Submission:

Labcorp Genetics (formerly Invitae), Labcorp
Classification: Uncertain significance for Microcephaly, normal intelligence and immunodeficiency. Last evaluated: 2021-10-21. Review status: criteria provided, single submitter. Criteria: Invitae Variant Classification Sherloc (09022015). Collection method: clinical testing. Allele origin: germline.
Comment: In summary, the available evidence is currently insufficient to determine the role of this variant in disease. Therefore, it has been classified as a Variant of Uncertain Significance. This sequence change replaces glycine with arginine at codon 704 of the NBN protein (p.Gly704Arg). The glycine residue is moderately conserved and there is a moderate physicochemical difference between glycine and arginine. This variant is not present in population databases (ExAC no frequency). This variant has not been reported in the literature in individuals affected with NBN-related conditions. Algorithms developed to predict the effect of missense changes on protein structure and function are either unavailable or do not agree on the potential impact of this missense change (SIFT: "Deleterious"; PolyPhen-2: "Probably Damaging"; Align-GVGD: "Class C0"). Algorithms developed to predict the effect of sequence changes on RNA splicing suggest that this variant may create or strengthen a splice site.